The following is an entry in ClinVar:

ClinVar aggregate classification (germline): Uncertain significance (1 of 4 stars; one submission).

gnomAD v4.1: 2 of 1,613,196 alleles (0.00012%); highest among the groups gnomAD compares: East Asian, 0.0045%; no homozygotes.

Submission:

Labcorp Genetics (formerly Invitae), Labcorp
Classification: Uncertain significance. Last evaluated: 2024-03-20. Review status: criteria provided, single submitter. Criteria: Invitae Variant Classification Sherloc (09022015). Collection method: clinical testing. Allele origin: germline.
Comment: This sequence change falls in intron 32 of the FOCAD gene. It does not directly change the encoded amino acid sequence of the FOCAD protein. It affects a nucleotide within the consensus splice site. This variant is not present in population databases (gnomAD no frequency). This variant has not been reported in the literature in individuals affected with FOCAD-related conditions. Variants that disrupt the consensus splice site are a relatively common cause of aberrant splicing (PMID: 17576681, 9536098). Algorithms developed to predict the effect of sequence changes on RNA splicing suggest that this variant may disrupt the consensus splice site. In summary, the available evidence is currently insufficient to determine the role of this variant in disease. Therefore, it has been classified as a Variant of Uncertain Significance.

Literature cited by the submitters: PubMed 17576681; PubMed 9536098.

NM_001375567.1(FOCAD):c.3675+5G>C

Gene: FOCAD (focadhesin; plus strand). Cytogenetic location: 9p21.3.
Variant type: single nucleotide variant.
Coding change: c.3675+5G>C on transcript NM_001375567.1 (MANE Select); 5 bases into the intron after coding-DNA position 3675, G replaced by C.
Molecular consequence: intron variant.
Genome position (GRCh38, 1-based): chr9:20,946,825, G>C. VCF-style: chr9-20946825-G-C. GRCh37 (hg19) VCF-style: chr9-20946824-G-C.
Other names: c.3675+5G>C (NM_017794.5); c.3570+5G>C (NM_001375568.1, NM_001375570.1).
Identifiers: ClinVar variation 3646910 (VCV003646910.2).
Genomic context (GRCh38, chr9:20,946,825, plus strand): 5'-CAGAGGCTGAGGATGTTATGAACAAGCTTCGACTGTTAGTGGAGAATAGCCAGCAGGTTG[G>C]AACGTGTGCCCTGATTATTTCTCTCTGTGGGTCTCATGCTGCTGCTAAGTTTTGCTTTTG-3'